The following is an entry in ClinVar:

ClinVar aggregate classification (germline): Uncertain significance. Review status: criteria provided, multiple submitters, no conflicts (2 of 4 stars). 4 submissions from 4 submitters: Uncertain significance (4). Last evaluated 2024-10-19.

Conditions:
Colorectal cancer, susceptibility to, 1. Also called: COLORECTAL CANCER, SUSCEPTIBILITY TO, ON CHROMOSOME 9; COLORECTAL ADENOMA AND CANCER, SUSCEPTIBILITY TO. Identifiers: MedGen C1837315, MONDO:0012132, OMIM 608812.

Allele frequency attached by ClinVar (database versions not stated): ExAC 0.00002; TOPMed 0.00002; gnomAD 0.00003.
gnomAD v4.1: 45 of 1,614,016 alleles (0.0028%); highest among the groups gnomAD compares: Admixed American, 0.005%; no homozygotes.

Submissions (4):

Ambry Genetics
Classification: Uncertain significance. Last evaluated: 2024-10-19. Review status: criteria provided, single submitter. Criteria: Ambry Variant Classification Scheme 2023. Collection method: clinical testing. Allele origin: germline.
Comment: The p.R497C variant (also known as c.1489C>T), located in coding exon 9 of the GALNT12 gene, results from a C to T substitution at nucleotide position 1489. The arginine at codon 497 is replaced by cysteine, an amino acid with highly dissimilar properties. This amino acid position is highly conserved in available vertebrate species. In addition, the in silico prediction for this alteration is inconclusive. Since supporting evidence is limited at this time, the clinical significance of this alteration remains unclear.

Labcorp Genetics (formerly Invitae), Labcorp
Classification: Uncertain significance. Last evaluated: 2024-09-03. Review status: criteria provided, single submitter. Criteria: Invitae Variant Classification Sherloc (09022015). Collection method: clinical testing. Allele origin: germline.
Comment: This sequence change replaces arginine, which is basic and polar, with cysteine, which is neutral and slightly polar, at codon 497 of the GALNT12 protein (p.Arg497Cys). This variant is present in population databases (rs775453262, gnomAD 0.008%). This variant has not been reported in the literature in individuals affected with GALNT12-related conditions. ClinVar contains an entry for this variant (Variation ID: 819355). Invitae Evidence Modeling of protein sequence and biophysical properties (such as structural, functional, and spatial information, amino acid conservation, physicochemical variation, residue mobility, and thermodynamic stability) indicates that this missense variant is not expected to disrupt GALNT12 protein function with a negative predictive value of 80%. In summary, the available evidence is currently insufficient to determine the role of this variant in disease. Therefore, it has been classified as a Variant of Uncertain Significance.

Quest Diagnostics Nichols Institute San Juan Capistrano
Classification: Uncertain significance. Last evaluated: 2023-08-22. Review status: criteria provided, single submitter. Criteria: Quest Diagnostics criteria. Collection method: clinical testing. Allele origin: unknown.
Comment: This variant has not been reported in the published literature. The frequency of this variant in the general population, 0.000039 (5/129150 chromosomes (Genome Aggregation Database)), is uninformative in the assessment of its pathogenicity. Analysis of this variant using bioinformatics tools for the prediction of the effect of amino acid changes on protein structure and function yielded predictions that this variant is damaging. Based on the available information, we are unable to determine the clinical significance of this variant.

Baylor Genetics
Classification: Uncertain significance for Colorectal cancer, susceptibility to, 1. Last evaluated: 2023-07-03. Review status: criteria provided, single submitter. Criteria: ACMG Guidelines, 2015. Collection method: clinical testing. Allele origin: unknown.

NM_024642.5(GALNT12):c.1489C>T (p.Arg497Cys)

Gene: GALNT12 (polypeptide N-acetylgalactosaminyltransferase 12; plus strand). Cytogenetic location: 9q22.33.
Variant type: single nucleotide variant.
Coding change: c.1489C>T on transcript NM_024642.5 (MANE Select); coding-DNA position 1489, C replaced by T.
Protein change: p.Arg497Cys; replaces arginine 497 with cysteine.
Molecular consequence: missense variant.
Genome position (GRCh38, 1-based): chr9:98,846,007, C>T. VCF-style: chr9-98846007-C-T. GRCh37 (hg19) VCF-style: chr9-101608289-C-T.
Other names: short protein forms R497C.
Identifiers: ClinVar variation 819355 (VCV000819355.17), dbSNP rs775453262, ClinGen allele CA5154299.